The following is an entry in ClinVar:

ClinVar aggregate classification (germline): Uncertain significance. Review status: criteria provided, multiple submitters, no conflicts (2 of 4 stars). 3 submissions from 3 submitters: Uncertain significance (3). Last evaluated 2025-05-12.

Conditions:
Arrhythmogenic right ventricular dysplasia 9 (ARVD9). Also called: Arrhythmogenic Right Ventricular Dysplasia/Cardiomyopathy 9; ARRHYTHMOGENIC RIGHT VENTRICULAR DYSPLASIA, FAMILIAL, 9. Identifiers: MedGen C1836906, MONDO:0012180, OMIM 609040.
Cardiomyopathy (CMYO). Also called: Cardiomyopathies. Identifiers: Orphanet 167848, MedGen C0878544, MONDO:0004994, HP:0001638. Inheritance: Various modes of inheritance.

Submissions (3):

Labcorp Genetics (formerly Invitae), Labcorp
Classification: Uncertain significance for Arrhythmogenic right ventricular dysplasia 9. Last evaluated: 2025-05-12. Review status: criteria provided, single submitter. Criteria: Invitae Variant Classification Sherloc (09022015). Collection method: clinical testing. Allele origin: germline.
Comment: This sequence change replaces serine, which is neutral and polar, with leucine, which is neutral and non-polar, at codon 719 of the PKP2 protein (p.Ser719Leu). Information on the frequency of this variant in the gnomAD database is not available, as this variant may be reported differently in the database. This variant has not been reported in the literature in individuals affected with PKP2-related conditions. ClinVar contains an entry for this variant (Variation ID: 927491). An algorithm developed to predict the effect of missense changes on protein structure and function (PolyPhen-2) suggests that this variant is likely to be tolerated. In summary, the available evidence is currently insufficient to determine the role of this variant in disease. Therefore, it has been classified as a Variant of Uncertain Significance.

Color Diagnostics, LLC DBA Color Health
Classification: Uncertain significance for Cardiomyopathy. Last evaluated: 2023-12-04. Review status: criteria provided, single submitter. Criteria: ACMG Guidelines, 2015. Collection method: clinical testing. Allele origin: germline.
Comment: This missense variant replaces serine with leucine at codon 719 of the PKP2 protein. Computational prediction tools and conservation analyses are inconclusive regarding the impact of this variant on the protein function. Computational splicing tools suggest that this variant may not impact RNA splicing. To our knowledge, functional assays have not been performed for this variant nor has this variant been reported in individuals affected with cardiovascular disorders in the literature. This variant has not been identified in the general population by the Genome Aggregation Database (gnomAD). Available evidence is insufficient to determine the role of this variant in disease conclusively. Therefore, this variant is classified as a Variant of Uncertain Significance.

Fulgent Genetics
Classification: Uncertain significance for Arrhythmogenic right ventricular dysplasia 9. Last evaluated: 2021-09-07. Review status: criteria provided, single submitter. Criteria: ACMG Guidelines, 2015. Collection method: clinical testing. Allele origin: unknown.

NM_001005242.3(PKP2):c.2023_2024delinsCT (p.Ser675Leu)

Gene: PKP2 (plakophilin 2; minus strand). Cytogenetic location: 12p11.21.
Variant type: Indel.
Coding change: c.2023_2024delinsCT on transcript NM_001005242.3 (MANE Select); coding-DNA positions 2023 to 2024, TC replaced by CT.
Protein change: p.Ser675Leu; replaces serine 675 with leucine.
Molecular consequence: missense variant.
Genome position (GRCh38, 1-based): chr12:32,802,546-32,802,547, GA replaced by AG on the plus strand (TC replaced by CT on the coding strand, the reverse complement: PKP2 is on the minus strand). VCF-style: chr12-32802546-GA-AG. GRCh37 (hg19) VCF-style: chr12-32955480-GA-AG.
Other names: c.2155_2156delinsCT, p.Ser719Leu (NM_004572.4); short protein forms S675L, S719L.
Identifiers: ClinVar variation 927491 (VCV000927491.7), dbSNP rs1956192621, ClinGen allele CA913188415.